The following is an entry in ClinVar:

ClinVar aggregate classification (germline): Uncertain significance. Review status: criteria provided, multiple submitters, no conflicts (2 of 4 stars). 2 submissions from 2 submitters: Uncertain significance (2). Last evaluated 2025-10-23.

Conditions:
Colorectal cancer, hereditary nonpolyposis, type 7. Identifiers: Orphanet 144, MedGen C1858380, MONDO:0013725, OMIM 614385.

Allele frequency attached by ClinVar (database versions not stated): gnomAD exomes below 0.00001; ExAC 0.00001; gnomAD 0.00001.

Submissions (2):

Ambry Genetics
Classification: Uncertain significance. Last evaluated: 2025-10-23. Review status: criteria provided, single submitter. Criteria: Ambry Variant Classification Scheme 2023. Collection method: clinical testing. Allele origin: germline.
Comment: The p.E167G variant (also known as c.500A>G), located in coding exon 1 of the MLH3 gene, results from an A to G substitution at nucleotide position 500. The glutamic acid at codon 167 is replaced by glycine, an amino acid with similar properties. This amino acid position is highly conserved in available vertebrate species. In addition, this alteration is predicted to be deleterious by in silico analysis. Since supporting evidence is limited at this time, the clinical significance of this alteration remains unclear.

Labcorp Genetics (formerly Invitae), Labcorp
Classification: Uncertain significance for Colorectal cancer, hereditary nonpolyposis, type 7. Last evaluated: 2019-09-30. Review status: criteria provided, single submitter. Criteria: Invitae Variant Classification Sherloc (09022015). Collection method: clinical testing. Allele origin: germline.
Comment: This variant has not been reported in the literature in individuals with MLH3-related conditions. This variant is present in population databases (rs770833178, ExAC 0.001%). This sequence change replaces glutamic acid with glycine at codon 167 of the MLH3 protein (p.Glu167Gly). The glutamic acid residue is highly conserved and there is a moderate physicochemical difference between glutamic acid and glycine. Algorithms developed to predict the effect of missense changes on protein structure and function are either unavailable or do not agree on the potential impact of this missense change (SIFT: "Deleterious"; PolyPhen-2: "Probably Damaging"; Align-GVGD: "Class C0"). In summary, the available evidence is currently insufficient to determine the role of this variant in disease. Therefore, it has been classified as a Variant of Uncertain Significance.

NM_001040108.2(MLH3):c.500A>G (p.Glu167Gly)

Gene: MLH3 (mutL homolog 3; minus strand). Cytogenetic location: 14q24.3.
Variant type: single nucleotide variant.
Coding change: c.500A>G on transcript NM_001040108.2 (MANE Select); coding-DNA position 500, A replaced by G.
Protein change: p.Glu167Gly; replaces glutamic acid 167 with glycine.
Molecular consequence: missense variant.
Genome position (GRCh38, 1-based): chr14:75,049,156, T>C on the plus strand (A>G on the coding strand, the complement: MLH3 is on the minus strand). VCF-style: chr14-75049156-T-C. GRCh37 (hg19) VCF-style: chr14-75515859-T-C.
Other names: c.500A>G, p.Glu167Gly (NM_014381.3); short protein forms E167G.
Identifiers: ClinVar variation 963284 (VCV000963284.13), dbSNP rs770833178, ClinGen allele CA7276013.